The following is an entry in ClinVar:

NC_000005.9:g.(82373435_82400728)_(82407023_82491588)del

Gene: XRCC4 (X-ray repair cross complementing 4; plus strand). Cytogenetic location: 5q14.2.
Variant type: Deletion.
Identifiers: ClinVar variation 4537240 (VCV004537240.1).

ClinVar aggregate classification (germline): Pathogenic (1 of 4 stars; one submission).

Conditions:
Short stature, microcephaly, and endocrine dysfunction (SSMED). Identifiers: Orphanet 436182, MedGen C4225288, MONDO:0014686, OMIM 616541.

Submission:

Women's Health and Genetics/Laboratory Corporation of America, LabCorp
Classification: Pathogenic for Short stature, microcephaly, and endocrine dysfunction. Last evaluated: 2025-11-24. Review status: criteria provided, single submitter. Criteria: LabCorp Variant Classification Summary - May 2015. Collection method: clinical testing. Allele origin: germline.
Comment: Variant summary: The variant involves the deletion of exons 2-3 in the XRCC4 gene. A presumed nomenclature of c.(-11+1_-10-1)_(315+1_316-1)del has been designated for the purposes of this classification. The exact breakpoint at the 5' end of this variant is unknown, therefore this deletion may extend upstream of the annotated region of this gene. Although the exact breakpoints of this deletion are not known, it is predicted to remove the initiation codon and result in an absence of protein or a truncation of the encoded protein due to translation initiation at a downstream site. Loss-of-function variants in this gene are known to be pathogenic. The variant was absent in 20566 control chromosomes. To our knowledge, no occurrence of c.(-11+1_-10-1)_(315+1_316-1)del in individuals affected with XRCC4-related conditions and no experimental evidence demonstrating its impact on protein function have been reported. ClinVar contains an entry for this variant (Variation ID: 3246531). Based on the evidence outlined above, the variant was classified as pathogenic.

Literature cited by the submitters: PubMed 27169690.